The following is an entry in ClinVar:

ClinVar aggregate classification (germline): Uncertain significance (1 of 4 stars; one submission).

Submission:

Labcorp Genetics (formerly Invitae), Labcorp
Classification: Uncertain significance. Last evaluated: 2022-07-05. Review status: criteria provided, single submitter. Criteria: Invitae Variant Classification Sherloc (09022015). Collection method: clinical testing. Allele origin: germline.
Comment: ClinVar contains an entry for this variant (Variation ID: 1489188). In summary, the available evidence is currently insufficient to determine the role of this variant in disease. Therefore, it has been classified as a Variant of Uncertain Significance. Algorithms developed to predict the effect of missense changes on protein structure and function (SIFT, PolyPhen-2, Align-GVGD) all suggest that this variant is likely to be tolerated. This variant has not been reported in the literature in individuals affected with KIF2A-related conditions. This variant is not present in population databases (gnomAD no frequency). This sequence change replaces glutamine, which is neutral and polar, with proline, which is neutral and non-polar, at codon 122 of the KIF2A protein (p.Gln122Pro).

NM_001098511.3(KIF2A):c.365A>C (p.Gln122Pro)

Gene: KIF2A (kinesin family member 2A; plus strand). Cytogenetic location: 5q12.1.
Variant type: single nucleotide variant.
Coding change: c.365A>C on transcript NM_001098511.3 (MANE Select); coding-DNA position 365, A replaced by C.
Protein change: p.Gln122Pro; replaces glutamine 122 with proline.
Molecular consequence: missense variant.
Genome position (GRCh38, 1-based): chr5:62,352,618, A>C. VCF-style: chr5-62352618-A-C. GRCh37 (hg19) VCF-style: chr5-61648445-A-C.
Other names: c.284A>C, p.Gln95Pro (NM_001243952.2); c.365A>C, p.Gln122Pro (NM_001243953.2, NM_004520.5); short protein forms Q122P, Q95P.
Identifiers: ClinVar variation 1489188 (VCV001489188.8), dbSNP rs779695634, ClinGen allele CA359948853.